The following is an entry in ClinVar:

NM_005431.2(XRCC2):c.563G>A (p.Arg188His)

Gene: XRCC2 (X-ray repair cross complementing 2; minus strand). Cytogenetic location: 7q36.1.
Variant type: single nucleotide variant.
Coding change: c.563G>A on transcript NM_005431.2 (MANE Select); coding-DNA position 563, G replaced by A.
Protein change: p.Arg188His; replaces arginine 188 with histidine.
Molecular consequence: missense variant.
Genome position (GRCh38, 1-based): chr7:152,648,922, C>T on the plus strand (G>A on the coding strand, the complement: XRCC2 is on the minus strand). VCF-style: chr7-152648922-C-T. GRCh37 (hg19) VCF-style: chr7-152346007-C-T.
Other names: p.Arg188His; short protein forms R188H.
Identifiers: ClinVar variation 486723 (VCV000486723.19), dbSNP rs3218536, ClinGen allele CA4582330.

ClinVar aggregate classification (germline): Benign. Review status: criteria provided, multiple submitters, no conflicts (2 of 4 stars). 7 submissions from 7 submitters: Benign (7). Last evaluated 2026-02-04.

Conditions:
Fanconi anemia complementation group U. Identifiers: MedGen C4310651, MONDO:0014987, OMIM 617247.
Hereditary cancer-predisposing syndrome. Also called: Tumor predisposition; Hereditary Cancer Syndrome; Neoplastic Syndromes, Hereditary; Hereditary neoplastic syndrome. Identifiers: Orphanet 140162, MedGen C0027672, MeSH D009386, MONDO:0015356.

Allele frequency attached by ClinVar (database versions not stated): gnomAD 0.04933; 1000 Genomes Project 30x 0.05075; 1000 Genomes Project 0.05252; TOPMed 0.05300; ESP Exome Variant Server 0.05582; ExAC 0.06553.

Submissions (7):

Labcorp Genetics (formerly Invitae), Labcorp
Classification: Benign. Last evaluated: 2026-02-04. Review status: criteria provided, single submitter. Criteria: Invitae Variant Classification Sherloc (09022015). Collection method: clinical testing. Allele origin: germline.

Mayo Clinic Laboratories, Mayo Clinic
Classification: Benign. Last evaluated: 2025-09-16. Review status: criteria provided, single submitter. Criteria: ACMG Guidelines, 2015. Collection method: clinical testing. Allele origin: germline. Observed: 5 variant alleles.
Comment: BA1, BP4_moderate

Blueprint Genetics
Classification: Benign. Last evaluated: 2024-11-27. Review status: criteria provided, single submitter. Criteria: ACMG Guidelines, 2015. Collection method: clinical testing. Allele origin: germline.

KCCC/NGS Laboratory, Kuwait Cancer Control Center
Classification: Benign for Fanconi anemia complementation group U. Last evaluated: 2023-07-07. Review status: criteria provided, single submitter. Criteria: ACMG Guidelines, 2015. Collection method: clinical testing. Allele origin: germline. Affected: yes.

Ambry Genetics
Classification: Benign for Hereditary cancer-predisposing syndrome. Last evaluated: 2016-08-17. Review status: criteria provided, single submitter. Criteria: Ambry Variant Classification Scheme 2023. Collection method: clinical testing. Allele origin: germline.

GeneDx
Classification: Benign. Last evaluated: 2015-03-03. Review status: criteria provided, single submitter. Criteria: GeneDx Variant Classification Process June 2021. Collection method: clinical testing. Allele origin: germline. Affected: yes.
Comment: This variant is associated with the following publications: (PMID: 24414483, 24621646, 12023985, 23539294, 19064565, 20004634)

Breakthrough Genomics
Classification: Benign. Review status: criteria provided, single submitter. Criteria: ACMG Guidelines, 2015. Collection method: not provided. Allele origin: germline. Inheritance: Autosomal recessive inheritance. Affected: yes.